The following is an entry in ClinVar:

NM_021120.4(DLG3):c.1145+713C>T

Gene: DLG3 (discs large MAGUK scaffold protein 3; plus strand). Cytogenetic location: Xq13.1.
Variant type: single nucleotide variant.
Coding change: c.1145+713C>T on transcript NM_021120.4 (MANE Select); 713 bases into the intron after coding-DNA position 1145, C replaced by T.
Molecular consequence: intron variant. On other transcripts: missense variant (1).
Genome position (GRCh38, 1-based): chrX:70,452,739, C>T. VCF-style: chrX-70452739-C-T. GRCh37 (hg19) VCF-style: chrX-69672589-C-T.
Other names: c.118C>T, p.Pro40Ser (NM_020730.3); short protein forms P40S.
Identifiers: ClinVar variation 5037567 (VCV005037567.1).

ClinVar aggregate classification (germline): Uncertain significance (1 of 4 stars; one submission).

Submission:

GeneDx
Classification: Uncertain significance. Last evaluated: 2026-04-24. Review status: criteria provided, single submitter. Criteria: GeneDx Variant Classification Process June 2021. Collection method: clinical testing. Allele origin: germline.
Comment: Not observed at significant frequency in large population cohorts (gnomAD); In silico analysis suggests that this variant does not alter splicing; Has not been previously published as pathogenic or benign to our knowledge; Reported using an alternate transcript of the gene